The following is an entry in ClinVar:

NM_000152.5(GAA):c.2705A>G (p.Gln902Arg)

Gene: GAA (alpha glucosidase; plus strand). Cytogenetic location: 17q25.3.
Variant type: single nucleotide variant.
Coding change: c.2705A>G on transcript NM_000152.5 (MANE Select); coding-DNA position 2705, A replaced by G.
Protein change: p.Gln902Arg; replaces glutamine 902 with arginine.
Molecular consequence: missense variant.
Genome position (GRCh38, 1-based): chr17:80,118,711, A>G. VCF-style: chr17-80118711-A-G. GRCh37 (hg19) VCF-style: chr17-78092510-A-G.
Other names: c.2705A>G, p.Gln902Arg (NM_001079803.3, NM_001079804.3, NM_001406741.1 and 1 more transcripts); short protein forms Q902R.
Identifiers: ClinVar variation 2049020 (VCV002049020.4), dbSNP rs2510404383, ClinGen allele CA401326908.

ClinVar aggregate classification (germline): Uncertain significance (1 of 4 stars; one submission).

Conditions:
Glycogen storage disease, type II (IOPD). Also called: Glucosidase acid-1,4-alpha deficiency; GLYCOGENOSIS, GENERALIZED, CARDIAC FORM; GSD II; Pompe Disease; Glycogen storage disease type 2; Acid maltase deficiency disease. Identifiers: Orphanet 365, MedGen C0017921, MONDO:0009290, OMIM 232300.

Allele frequency attached by ClinVar (database versions not stated): gnomAD exomes below 0.00001.

Submission:

Labcorp Genetics (formerly Invitae), Labcorp
Classification: Uncertain significance for Glycogen storage disease, type II. Last evaluated: 2024-02-24. Review status: criteria provided, single submitter. Criteria: Invitae Variant Classification Sherloc (09022015). Collection method: clinical testing. Allele origin: germline.
Comment: This sequence change replaces glutamine, which is neutral and polar, with arginine, which is basic and polar, at codon 902 of the GAA protein (p.Gln902Arg). This variant is not present in population databases (gnomAD no frequency). This variant has not been reported in the literature in individuals affected with GAA-related conditions. ClinVar contains an entry for this variant (Variation ID: 2049020). Advanced modeling of protein sequence and biophysical properties (such as structural, functional, and spatial information, amino acid conservation, physicochemical variation, residue mobility, and thermodynamic stability) performed at Invitae indicates that this missense variant is not expected to disrupt GAA protein function with a negative predictive value of 95%. In summary, the available evidence is currently insufficient to determine the role of this variant in disease. Therefore, it has been classified as a Variant of Uncertain Significance.